The following is an entry in ClinVar:

NM_172364.5(CACNA2D4):c.2868+4_2868+7del

Gene: CACNA2D4 (calcium voltage-gated channel auxiliary subunit alpha2delta 4; minus strand). Cytogenetic location: 12p13.33.
Variant type: Deletion.
Coding change: c.2868+4_2868+7del on transcript NM_172364.5 (MANE Select); bases 4 to 7 of the intron after coding-DNA position 2868, 4 bases deleted (AGTG; older notation c.2868+4_2868+7delAGTG).
Molecular consequence: splice donor variant.
Genome position (GRCh38, 1-based): chr12:1,801,036-1,801,039, CACT deleted on the plus strand (AGTG on the coding strand, the reverse complement: CACNA2D4 is on the minus strand); deleting any 4 consecutive bases within chr12:1,801,036-1,801,042 gives the same sequence; the c. name uses the placement nearest the transcript's 3' end. VCF-style (leftmost placement, unchanged base first): chr12-1801035-ACACT-A. GRCh37 (hg19) VCF-style: chr12-1910201-ACACT-A.
Identifiers: ClinVar variation 307840 (VCV000307840.9), dbSNP rs760300917, ClinGen allele CA6386173.

ClinVar aggregate classification (germline): Uncertain significance (1 of 4 stars; one submission).

Submission:

Labcorp Genetics (formerly Invitae), Labcorp
Classification: Uncertain significance. Last evaluated: 2023-10-23. Review status: criteria provided, single submitter. Criteria: Invitae Variant Classification Sherloc (09022015). Collection method: clinical testing. Allele origin: germline.
Comment: This sequence change falls in intron 31 of the CACNA2D4 gene. It does not directly change the encoded amino acid sequence of the CACNA2D4 protein. It affects a nucleotide within the consensus splice site. This variant is present in population databases (rs760300917, gnomAD 0.02%). This variant has not been reported in the literature in individuals affected with CACNA2D4-related conditions. ClinVar contains an entry for this variant (Variation ID: 307840). Variants that disrupt the consensus splice site are a relatively common cause of aberrant splicing (PMID: 17576681, 9536098). Algorithms developed to predict the effect of sequence changes on RNA splicing suggest that this variant may disrupt the consensus splice site. In summary, the available evidence is currently insufficient to determine the role of this variant in disease. Therefore, it has been classified as a Variant of Uncertain Significance.

Literature cited by the submitters: PubMed 17576681; PubMed 9536098.